The following is an entry in ClinVar:

ClinVar aggregate classification (germline): Uncertain significance (0 of 4 stars; one submission).

Conditions:
BBS2-related disorder. Also called: BBS2-related condition; BBS2-related disorders. Identifiers: MedGen CN239228.

Submission:

PreventionGenetics, part of Exact Sciences
Classification: Uncertain significance for BBS2-related condition. Last evaluated: 2024-04-17. Review status: no assertion criteria provided. Collection method: clinical testing. Allele origin: germline.
Comment: The BBS2 c.1935G>T variant is predicted to result in the amino acid substitution p.Met645Ile. To our knowledge, this variant has not been reported in the literature. This variant is reported in 0.0065% of alleles in individuals of European (Non-Finnish) descent in gnomAD. At this time, the clinical significance of this variant is uncertain due to the absence of conclusive functional and genetic evidence.

NM_031885.5(BBS2):c.1935G>T (p.Met645Ile)

Gene: BBS2 (Bardet-Biedl syndrome 2; minus strand). Cytogenetic location: 16q13.
Variant type: single nucleotide variant.
Coding change: c.1935G>T on transcript NM_031885.5 (MANE Select); coding-DNA position 1935, G replaced by T.
Protein change: p.Met645Ile; replaces methionine 645 with isoleucine.
Molecular consequence: missense variant. On other transcripts: non-coding transcript variant (5).
Genome position (GRCh38, 1-based): chr16:56,485,714, C>A on the plus strand (G>T on the coding strand, the complement: BBS2 is on the minus strand). VCF-style: chr16-56485714-C-A. GRCh37 (hg19) VCF-style: chr16-56519626-C-A.
Other names: c.1935G>T, p.Met645Ile (NM_001377456.1); short protein forms M645I.
Identifiers: ClinVar variation 3345234 (VCV003345234.1).